The following is an entry in ClinVar:

ClinVar aggregate classification (germline): Likely benign. Review status: criteria provided, single submitter (1 of 4 stars). 2 submissions from 2 submitters: Likely benign (1). 1 of the submissions does not count toward it. Last evaluated 2024-09-05.

Conditions:
CNOT3-related disorder. Also called: CNOT3-related condition.

Allele frequency attached by ClinVar (database versions not stated): gnomAD 0.00003; TOPMed 0.00005; ESP Exome Variant Server 0.00008.
gnomAD v4.1: 88 of 1,613,904 alleles (0.0055%); highest among the groups gnomAD compares: African/African-American, 0.0093%; no homozygotes.

Submissions (2):

Labcorp Genetics (formerly Invitae), Labcorp
Classification: Likely benign. Last evaluated: 2024-09-05. Review status: criteria provided, single submitter. Criteria: Invitae Variant Classification Sherloc (09022015). Collection method: clinical testing. Allele origin: germline.

PreventionGenetics, part of Exact Sciences
Classification: Likely benign for CNOT3-related condition. Last evaluated: 2020-05-21. Review status: no assertion criteria provided. Collection method: clinical testing. Allele origin: germline. Not counted in ClinVar's aggregate classification.
Comment: This variant is classified as likely benign based on ACMG/AMP sequence variant interpretation guidelines (Richards et al. 2015 PMID: 25741868, with internal and published modifications).

NM_014516.4(CNOT3):c.1527G>A (p.Thr509=)

Gene: CNOT3 (CCR4-NOT transcription complex subunit 3; plus strand). Cytogenetic location: 19q13.42.
Variant type: single nucleotide variant.
Coding change: c.1527G>A on transcript NM_014516.4 (MANE Select); coding-DNA position 1527, G replaced by A.
Protein change: p.Thr509=; no amino-acid change (threonine 509 retained).
Molecular consequence: synonymous variant.
Genome position (GRCh38, 1-based): chr19:54,149,680, G>A. VCF-style: chr19-54149680-G-A. GRCh37 (hg19) VCF-style: chr19-54653415-G-A.
Other names: c.1527G>A (NM_014516.3).
Identifiers: ClinVar variation 1974668 (VCV001974668.7), dbSNP rs140186334, ClinGen allele CA407766697.